The following is an entry in ClinVar:

ClinVar aggregate classification (germline): Uncertain significance (1 of 4 stars; one submission).

Allele frequency attached by ClinVar (database versions not stated): ExAC 0.00001; gnomAD 0.00001; gnomAD exomes 0.00002; TOPMed 0.00002.
gnomAD v4.1: 25 of 1,614,076 alleles (0.0015%); highest among the groups gnomAD compares: Non-Finnish European, 0.0021%; no homozygotes.

Submission:

Ambry Genetics
Classification: Uncertain significance. Last evaluated: 2022-11-04. Review status: criteria provided, single submitter. Criteria: Ambry Variant Classification Scheme 2023. Collection method: clinical testing. Allele origin: germline.
Comment: The p.V1573A variant (also known as c.4718T>C), located in coding exon 4 of the ALPK2 gene, results from a T to C substitution at nucleotide position 4718. The valine at codon 1573 is replaced by alanine, an amino acid with similar properties. This amino acid position is conserved. In addition, this alteration is predicted to be tolerated by in silico analysis. Since supporting evidence is limited at this time, the clinical significance of this alteration remains unclear.

NM_052947.4(ALPK2):c.4718T>C (p.Val1573Ala)

Genes: ALPK2 (alpha kinase 2; minus strand), LOC126862764 (BRD4-independent group 4 enhancer GRCh37_chr18:56202574-56203773; plus strand). Cytogenetic location: 18q21.31.
Variant type: single nucleotide variant.
Coding change: c.4718T>C on transcript NM_052947.4 (MANE Select); coding-DNA position 4718, T replaced by C.
Protein change: p.Val1573Ala; replaces valine 1573 with alanine.
Molecular consequence: missense variant.
Genome position (GRCh38, 1-based): chr18:58,535,469, A>G on the plus strand (T>C on the coding strand, the complement: ALPK2 is on the minus strand). VCF-style: chr18-58535469-A-G. GRCh37 (hg19) VCF-style: chr18-56202701-A-G.
Other names: short protein forms V1573A.
Identifiers: ClinVar variation 2451012 (VCV002451012.2), dbSNP rs773245029, ClinGen allele CA8976651.
Genomic context (GRCh38, chr18:58,535,469, plus strand): 5'-TTCTCAATAGTTCCCCTTTTCTGTGAAACAGGAAACACATACTGACGCTTTCTGGGCTCA[A>G]CTATGTCATTTTCAGGGACGTCATGAATTTGGCCTGTGGAGTTGTGCGTGTCAACCCCAA-3'
Protein context (NP_443179.3, residues 1563-1583): QIHDVPENDI[Val1573Ala]EPRKRQYVFP